The following is an entry in ClinVar:

NM_020923.3(ZDBF2):c.1136A>G (p.Gln379Arg)

Gene: ZDBF2 (zinc finger DBF-type containing 2; plus strand). Cytogenetic location: 2q33.3.
Variant type: single nucleotide variant.
Coding change: c.1136A>G on transcript NM_020923.3 (MANE Select); coding-DNA position 1136, A replaced by G.
Protein change: p.Gln379Arg; replaces glutamine 379 with arginine.
Molecular consequence: missense variant.
Genome position (GRCh38, 1-based): chr2:206,305,664, A>G. VCF-style: chr2-206305664-A-G. GRCh37 (hg19) VCF-style: chr2-207170388-A-G.
Other names: c.1130A>G, p.Gln377Arg (NM_001285549.2); c.1136A>G, p.Gln379Arg (NM_001369654.1); short protein forms Q379R, Q377R.
Identifiers: ClinVar variation 2350668 (VCV002350668.4), dbSNP rs201372498, ClinGen allele CA2071808.

ClinVar aggregate classification (germline): Uncertain significance. Review status: criteria provided, multiple submitters, no conflicts (2 of 4 stars). 2 submissions from 2 submitters: Uncertain significance (2). Last evaluated 2025-05-16.

Allele frequency attached by ClinVar (database versions not stated): gnomAD 0.00023; TOPMed 0.00026; ExAC 0.00029; ESP Exome Variant Server 0.00033; gnomAD exomes 0.00041.
gnomAD v4.1: 630 of 1,613,618 alleles (0.039%); highest among the groups gnomAD compares: Non-Finnish European, 0.05%; no homozygotes.

Submissions (2):

Ambry Genetics
Classification: Uncertain significance. Last evaluated: 2025-05-16. Review status: criteria provided, single submitter. Criteria: Ambry Variant Classification Scheme 2023. Collection method: clinical testing. Allele origin: germline.

Labcorp Genetics (formerly Invitae), Labcorp
Classification: Uncertain significance. Last evaluated: 2025-04-10. Review status: criteria provided, single submitter. Criteria: Invitae Variant Classification Sherloc (09022015). Collection method: clinical testing. Allele origin: germline.
Comment: This sequence change replaces glutamine, which is neutral and polar, with arginine, which is basic and polar, at codon 379 of the ZDBF2 protein (p.Gln379Arg). This variant is present in population databases (rs201372498, gnomAD 0.05%), and has an allele count higher than expected for a pathogenic variant. This variant has not been reported in the literature in individuals affected with ZDBF2-related conditions. ClinVar contains an entry for this variant (Variation ID: 2350668). An algorithm developed to predict the effect of missense changes on protein structure and function outputs the following: PolyPhen-2: "Benign". The arginine amino acid residue is found in multiple mammalian species, which suggests that this missense change does not adversely affect protein function. In summary, the available evidence is currently insufficient to determine the role of this variant in disease. Therefore, it has been classified as a Variant of Uncertain Significance.